The following is an entry in ClinVar:

NM_001127222.2(CACNA1A):c.2309C>T (p.Ala770Val)

Gene: CACNA1A (calcium voltage-gated channel subunit alpha1 A; minus strand). Cytogenetic location: 19p13.13.
Variant type: single nucleotide variant.
Coding change: c.2309C>T on transcript NM_001127222.2 (MANE Select); coding-DNA position 2309, C replaced by T.
Protein change: p.Ala770Val; replaces alanine 770 with valine.
Molecular consequence: missense variant.
Genome position (GRCh38, 1-based): chr19:13,299,324, G>A on the plus strand (C>T on the coding strand, the complement: CACNA1A is on the minus strand). VCF-style: chr19-13299324-G-A. GRCh37 (hg19) VCF-style: chr19-13410138-G-A.
Other names: c.2321C>T, p.Ala774Val (NM_000068.4, NM_023035.3); c.2312C>T, p.Ala771Val (NM_001127221.2, NM_001174080.2); short protein forms A770V, A771V, A774V.
Identifiers: ClinVar variation 1058182 (VCV001058182.9), dbSNP rs2057740662, ClinGen allele CA404343738.

ClinVar aggregate classification (germline): Uncertain significance (1 of 4 stars; one submission).

Conditions:
Developmental and epileptic encephalopathy, 42 (DEE42A). Also called: DEVELOPMENTAL AND EPILEPTIC ENCEPHALOPATHY 42A; EPILEPTIC ENCEPHALOPATHY, EARLY INFANTILE, 42A; Epileptic encephalopathy, early infantile, 42. Identifiers: MedGen C4310716, MONDO:0014917, OMIM 617106.
Episodic ataxia type 2 (EA2). Also called: EPISODIC ATAXIA, NYSTAGMUS-ASSOCIATED; ACETAZOLAMIDE-RESPONSIVE HEREDITARY PAROXYSMAL CEREBELLAR ATAXIA; ATAXIA, EPISODIC, WITH NYSTAGMUS; ATAXIA, FAMILIAL PAROXYSMAL; CEREBELLAR ATAXIA, PAROXYSMAL, ACETAZOLAMIDE-RESPONSIVE; CEREBELLOPATHY, HEREDITARY PAROXYSMAL. Identifiers: Orphanet 97, MedGen C1720416, MONDO:0007163, OMIM 108500.

Allele frequency attached by ClinVar (database versions not stated): gnomAD exomes below 0.00001; TOPMed below 0.00001.
gnomAD v4.1: 1 of 1,600,344 alleles (0.000062%); highest among the groups gnomAD compares: Non-Finnish European, 0.000085%; no homozygotes.

Submission:

Labcorp Genetics (formerly Invitae), Labcorp
Classification: Uncertain significance for Developmental and epileptic encephalopathy, 42; Episodic ataxia type 2. Last evaluated: 2023-02-27. Review status: criteria provided, single submitter. Criteria: Invitae Variant Classification Sherloc (09022015). Collection method: clinical testing. Allele origin: germline.
Comment: This variant has not been reported in the literature in individuals affected with CACNA1A-related conditions. This variant is not present in population databases (gnomAD no frequency). This sequence change replaces alanine, which is neutral and non-polar, with valine, which is neutral and non-polar, at codon 771 of the CACNA1A protein (p.Ala771Val). In summary, the available evidence is currently insufficient to determine the role of this variant in disease. Therefore, it has been classified as a Variant of Uncertain Significance. Advanced modeling of protein sequence and biophysical properties (such as structural, functional, and spatial information, amino acid conservation, physicochemical variation, residue mobility, and thermodynamic stability) performed at Invitae indicates that this missense variant is not expected to disrupt CACNA1A protein function. ClinVar contains an entry for this variant (Variation ID: 1058182).